The following is an entry in ClinVar:

NM_006267.5(RANBP2):c.8114A>G (p.Asp2705Gly)

Gene: RANBP2 (RAN binding protein 2; plus strand). Cytogenetic location: 2q13.
Variant type: single nucleotide variant.
Coding change: c.8114A>G on transcript NM_006267.5 (MANE Select); coding-DNA position 8114, A replaced by G.
Protein change: p.Asp2705Gly; replaces aspartic acid 2705 with glycine.
Molecular consequence: missense variant.
Genome position (GRCh38, 1-based): chr2:108,772,868, A>G. VCF-style: chr2-108772868-A-G. GRCh37 (hg19) VCF-style: chr2-109389324-A-G.
Other names: c.8192A>G, p.Asp2731Gly (NM_001415871.1); c.8111A>G, p.Asp2704Gly (NM_001415872.1); c.8114A>G, p.Asp2705Gly (NM_001415873.1); short protein forms D2704G, D2705G, D2731G.
Identifiers: ClinVar variation 3372892 (VCV003372892.1).

ClinVar aggregate classification (germline): Uncertain significance (1 of 4 stars; one submission).

gnomAD v4.1: 5 of 1,613,566 alleles (0.00031%); highest among the groups gnomAD compares: East Asian, 0.0022%; no homozygotes.

Submission:

GeneDx
Classification: Uncertain significance. Last evaluated: 2024-04-23. Review status: criteria provided, single submitter. Criteria: GeneDx Variant Classification Process June 2021. Collection method: clinical testing. Allele origin: germline. Affected: yes.
Comment: Not observed at significant frequency in large population cohorts (gnomAD); In silico analysis indicates that this missense variant does not alter protein structure/function; Has not been previously published as pathogenic or benign to our knowledge